The following is an entry in ClinVar:

ClinVar aggregate classification (germline): Uncertain significance. Review status: criteria provided, multiple submitters, no conflicts (2 of 4 stars). 3 submissions from 3 submitters: Uncertain significance (2). 1 of the submissions does not count toward it. Last evaluated 2021-08-31.

Conditions:
Becker muscular dystrophy (BMD). Also called: MUSCULAR DYSTROPHY, PSEUDOHYPERTROPHIC PROGRESSIVE, BECKER TYPE; Becker Muscular Dystrophy (BMD). Identifiers: Orphanet 98895, MedGen C0917713, MONDO:0010311, OMIM 300376.
Duchenne muscular dystrophy (DMD). Also called: Duchenne Muscular Dystrophy (DMD); MUSCULAR DYSTROPHY, PSEUDOHYPERTROPHIC PROGRESSIVE, DUCHENNE TYPE. Identifiers: Orphanet 98896, MedGen C0013264, MONDO:0010679, OMIM 310200.
Cardiomyopathy (CMYO). Also called: Cardiomyopathies. Identifiers: Orphanet 167848, MedGen C0878544, MONDO:0004994, HP:0001638. Inheritance: Various modes of inheritance.
Dystrophin deficiency.

Allele frequency attached by ClinVar (database versions not stated): gnomAD exomes below 0.00001.
gnomAD v4.1: 2 of 1,208,965 alleles (0.00017%); highest among the groups gnomAD compares: Non-Finnish European, 0.00022%; no homozygotes.

Submissions (3):

Labcorp Genetics (formerly Invitae), Labcorp
Classification: Uncertain significance for Duchenne muscular dystrophy. Last evaluated: 2021-08-31. Review status: criteria provided, single submitter. Criteria: Invitae Variant Classification Sherloc (09022015). Collection method: clinical testing. Allele origin: germline.
Comment: This sequence change replaces glutamic acid with lysine at codon 1284 of the DMD protein (p.Glu1284Lys). The glutamic acid residue is highly conserved and there is a small physicochemical difference between glutamic acid and lysine. This variant is not present in population databases (ExAC no frequency). This variant has not been reported in the literature in individuals affected with DMD-related conditions. ClinVar contains an entry for this variant (Variation ID: 444796). Algorithms developed to predict the effect of missense changes on protein structure and function are either unavailable or do not agree on the potential impact of this missense change (SIFT: "Tolerated"; PolyPhen-2: "Possibly Damaging"; Align-GVGD: "Class C0"). In summary, the available evidence is currently insufficient to determine the role of this variant in disease. Therefore, it has been classified as a Variant of Uncertain Significance.

CeGaT Center for Human Genetics Tuebingen
Classification: Uncertain significance. Last evaluated: 2017-05-01. Review status: criteria provided, single submitter. Criteria: CeGaT Center For Human Genetics Tuebingen Variant Classification Criteria Version 2. Collection method: clinical testing. Allele origin: germline. Affected: yes. Observed: 1 variant allele.

Natera, Inc.
Classification: Uncertain significance for Becker muscular dystrophy; Cardiomyopathy; Duchenne muscular dystrophy; Dystrophin deficiency. Last evaluated: 2018-11-27. Review status: no assertion criteria provided. Collection method: clinical testing. Allele origin: germline. Not counted in ClinVar's aggregate classification.

NM_004006.3(DMD):c.3850G>A (p.Glu1284Lys)

Gene: DMD (dystrophin; minus strand). Cytogenetic location: Xp21.1.
Variant type: single nucleotide variant.
Coding change: c.3850G>A on transcript NM_004006.3 (MANE Select); coding-DNA position 3850, G replaced by A.
Protein change: p.Glu1284Lys; replaces glutamic acid 1284 with lysine.
Molecular consequence: missense variant.
Genome position (GRCh38, 1-based): chrX:32,441,251, C>T on the plus strand (G>A on the coding strand, the complement: DMD is on the minus strand). VCF-style: chrX-32441251-C-T. GRCh37 (hg19) VCF-style: chrX-32459368-C-T.
Other names: c.3826G>A, p.Glu1276Lys (NM_000109.4); c.3838G>A, p.Glu1280Lys (NM_004009.3); c.3481G>A, p.Glu1161Lys (NM_004010.3); short protein forms E1284K, E1161K, E1280K, E1276K.
Identifiers: ClinVar variation 444796 (VCV000444796.47), dbSNP rs1557359192, ClinGen allele CA412670420.